The following is an entry in ClinVar:

NM_017763.6(RNF43):c.670C>T (p.Pro224Ser)

Gene: RNF43 (ring finger protein 43; minus strand). Cytogenetic location: 17q22.
Variant type: single nucleotide variant.
Coding change: c.670C>T on transcript NM_017763.6 (MANE Select); coding-DNA position 670, C replaced by T.
Protein change: p.Pro224Ser; replaces proline 224 with serine.
Molecular consequence: missense variant.
Genome position (GRCh38, 1-based): chr17:58,362,561, G>A on the plus strand (C>T on the coding strand, the complement: RNF43 is on the minus strand). VCF-style: chr17-58362561-G-A. GRCh37 (hg19) VCF-style: chr17-56439922-G-A.
Other names: c.670C>T, p.Pro224Ser (NM_001305544.3); c.289C>T, p.Pro97Ser (NM_001305545.2); short protein forms P224S, P97S.
Identifiers: ClinVar variation 3767846 (VCV003767846.1).

ClinVar aggregate classification (germline): Uncertain significance (1 of 4 stars; one submission).

Submission:

GeneDx
Classification: Uncertain significance. Last evaluated: 2024-09-06. Review status: criteria provided, single submitter. Criteria: GeneDx Variant Classification Process June 2021. Collection method: clinical testing. Allele origin: germline. Affected: yes.
Comment: Not observed at significant frequency in large population cohorts (gnomAD); In silico analysis indicates that this missense variant does not alter protein structure/function; Has not been previously published as pathogenic or benign to our knowledge